The following is an entry in ClinVar:

ClinVar aggregate classification (germline): drug response (0 of 4 stars; one submission).

Conditions:
Thalidomide response. Identifiers: MedGen CN297989.

gnomAD v4.1: 433,566 of 1,613,102 alleles (27%); highest among the groups gnomAD compares: Non-Finnish European, 31%; 65,489 homozygotes.

Submission:

Rare Diseases Genetics and Genomics, Islamia College Peshawar
Classification: drug response for Thalidomide response. Review status: no assertion criteria provided. Collection method: research. Allele origin: germline. Affected: yes.
Comment: this variant was associated with non-response to thalidomide (not achieving transfusion independence)

NM_014981.3(MYH15):c.1301G>A (p.Arg434Gln)

Gene: MYH15 (myosin heavy chain 15; minus strand). Cytogenetic location: 3q13.13.
Variant type: single nucleotide variant.
Coding change: c.1301G>A on transcript NM_014981.3 (MANE Select); coding-DNA position 1301, G replaced by A.
Protein change: p.Arg434Gln; replaces arginine 434 with glutamine.
Molecular consequence: missense variant.
Genome position (GRCh38, 1-based): chr3:108,470,780, C>T on the plus strand (G>A on the coding strand, the complement: MYH15 is on the minus strand). VCF-style: chr3-108470780-C-T. GRCh37 (hg19) VCF-style: chr3-108189627-C-T.
Other names: short protein forms R434Q.
Identifiers: ClinVar variation 3900040 (VCV003900040.1).